The following is an entry in ClinVar:

ClinVar aggregate classification (germline): Uncertain significance (1 of 4 stars; one submission).

Conditions:
Cardiovascular phenotype. Identifiers: MedGen CN230736.

Submission:

Ambry Genetics
Classification: Uncertain significance for Cardiovascular phenotype. Last evaluated: 2022-08-16. Review status: criteria provided, single submitter. Criteria: Ambry Variant Classification Scheme 2023. Collection method: clinical testing. Allele origin: germline.
Comment: The p.L311P variant (also known as c.932T>C), located in coding exon 7 of the DSC2 gene, results from a T to C substitution at nucleotide position 932. The leucine at codon 311 is replaced by proline, an amino acid with similar properties. This amino acid position is conserved. In addition, this alteration is predicted to be deleterious by in silico analysis. Since supporting evidence is limited at this time, the clinical significance of this alteration remains unclear.

NM_024422.6(DSC2):c.932T>C (p.Leu311Pro)

Gene: DSC2 (desmocollin 2; minus strand). Cytogenetic location: 18q12.1.
Variant type: single nucleotide variant.
Coding change: c.932T>C on transcript NM_024422.6 (MANE Select); coding-DNA position 932, T replaced by C.
Protein change: p.Leu311Pro; replaces leucine 311 with proline.
Molecular consequence: missense variant.
Genome position (GRCh38, 1-based): chr18:31,086,586, A>G on the plus strand (T>C on the coding strand, the complement: DSC2 is on the minus strand). VCF-style: chr18-31086586-A-G. GRCh37 (hg19) VCF-style: chr18-28666549-A-G.
Other names: c.503T>C, p.Leu168Pro (NM_001406506.1, NM_001406507.1); c.932T>C, p.Leu311Pro (NM_004949.5); short protein forms L311P, L168P.
Identifiers: ClinVar variation 1766594 (VCV001766594.2), dbSNP rs2510951108, ClinGen allele CA402111747.